The following is an entry in ClinVar:

NM_003565.4(ULK1):c.1721C>G (p.Pro574Arg)

Gene: ULK1 (unc-51 like autophagy activating kinase 1; plus strand). Cytogenetic location: 12q24.33.
Variant type: single nucleotide variant.
Coding change: c.1721C>G on transcript NM_003565.4 (MANE Select); coding-DNA position 1721, C replaced by G.
Protein change: p.Pro574Arg; replaces proline 574 with arginine.
Molecular consequence: missense variant.
Genome position (GRCh38, 1-based): chr12:131,916,002, C>G. VCF-style: chr12-131916002-C-G. GRCh37 (hg19) VCF-style: chr12-132400547-C-G.
Other names: short protein forms P574R.
Identifiers: ClinVar variation 731493 (VCV000731493.6), dbSNP rs148651967, ClinGen allele CA6883110.
Genomic context (GRCh38, chr12:131,916,002, plus strand): 5'-TGCACAGCGCCCCCAACCTGTCTGACTTGCACGTCGTCCGCCCCAAGCTGCCCAAACCCC[C>G]CACGGACCCCCTGGGAGCTGTGTTCAGCCCACCACAGGCCAGCCCTCCCCAGCCGTCCCA-3'
Protein context (NP_003556.2, residues 564-584): HVVRPKLPKP[Pro574Arg]TDPLGAVFSP

ClinVar aggregate classification (germline): Likely benign. Review status: criteria provided, multiple submitters, no conflicts (2 of 4 stars). 3 submissions from 3 submitters: Likely benign (2). 1 of the submissions does not count toward it. Last evaluated 2018-03-29.

Conditions:
ULK1-related disorder. Also called: ULK1-related condition.

Allele frequency attached by ClinVar (database versions not stated): 1000 Genomes Project 30x 0.00078; 1000 Genomes Project 0.00080; TOPMed 0.00134; gnomAD 0.00136 and 0.00139; ESP Exome Variant Server 0.00139; gnomAD exomes 0.00155; ExAC 0.00174.
gnomAD v4.1: 3,419 of 1,612,376 alleles (0.21%); highest among the groups gnomAD compares: Non-Finnish European, 0.27%; 8 homozygotes.

Submissions (3):

Labcorp Genetics (formerly Invitae), Labcorp
Classification: Likely benign. Last evaluated: 2018-03-29. Review status: criteria provided, single submitter. Criteria: Invitae Variant Classification Sherloc (09022015). Collection method: clinical testing. Allele origin: germline.

Breakthrough Genomics
Classification: Likely benign. Review status: criteria provided, single submitter. Criteria: ACMG Guidelines, 2015. Collection method: not provided. Allele origin: germline. Inheritance: Unknown mechanism. Affected: yes.

PreventionGenetics, part of Exact Sciences
Classification: Likely benign for ULK1-related condition. Last evaluated: 2023-01-03. Review status: no assertion criteria provided. Collection method: clinical testing. Allele origin: germline. Not counted in ClinVar's aggregate classification.
Comment: This variant is classified as likely benign based on ACMG/AMP sequence variant interpretation guidelines (Richards et al. 2015 PMID: 25741868, with internal and published modifications).